The following is an entry in ClinVar:

ClinVar aggregate classification (germline): Conflicting classifications of pathogenicity. Review status: criteria provided, conflicting classifications (1 of 4 stars). 5 submissions from 5 submitters: Uncertain significance (2); Likely benign (3). Last evaluated 2026-05-07.

Conditions:
Congenital nephrotic syndrome. Also called: Familial nephrotic syndrome. Identifiers: MedGen C3501848, MeSH C535761, MONDO:0002350, HP:0008677.
Finnish congenital nephrotic syndrome (NPHS1). Also called: NEPHROTIC SYNDROME, TYPE 1. Identifiers: Orphanet 839, MedGen C0403399, MONDO:0009732, OMIM 256300.
NPHS1-related disorder. Also called: NPHS1-related condition.

Allele frequency attached by ClinVar (database versions not stated): gnomAD below 0.00001 and 0.00014; TOPMed 0.00004; gnomAD exomes 0.00040; ExAC 0.00050; 1000 Genomes Project 0.00140; 1000 Genomes Project 30x 0.00141.
gnomAD v4.1: 300 of 1,613,374 alleles (0.019%); highest among the groups gnomAD compares: South Asian, 0.31%; 3 homozygotes.

Submissions (5):

PreventionGenetics, part of Exact Sciences
Classification: Likely benign for NPHS1-related condition. Last evaluated: 2026-05-07. Review status: criteria provided, single submitter. Criteria: ACMG Guidelines, 2015. Collection method: clinical testing. Allele origin: germline.
Comment: This variant is classified as likely benign based on ACMG/AMP sequence variant interpretation guidelines (Richards et al. 2015 PMID: 25741868, with internal and published modifications).

Labcorp Genetics (formerly Invitae), Labcorp
Classification: Likely benign. Last evaluated: 2025-12-06. Review status: criteria provided, single submitter. Criteria: Invitae Variant Classification Sherloc (09022015). Collection method: clinical testing. Allele origin: germline.

Blueprint Genetics
Classification: Likely benign. Last evaluated: 2023-12-29. Review status: criteria provided, single submitter. Criteria: ACMG Guidelines, 2015. Collection method: clinical testing. Allele origin: germline.

Neuberg Centre For Genomic Medicine, NCGM
Classification: Uncertain significance for Finnish congenital nephrotic syndrome. Last evaluated: 2023-05-20. Review status: criteria provided, single submitter. Criteria: ACMG Guidelines, 2015. Collection method: clinical testing. Allele origin: germline. Inheritance: Autosomal recessive inheritance. Affected: yes.
Comment: The observed missense c.1799A>G (p.Lys600Arg) variant in NPHS1 gene has not been reported previously as a pathogenic variant nor as a benign variant, to our knowledge. The (p.Lys600Arg) variant is present with allele frequency of 0.04% in gnomAD Exomes. This variant has been submitted to the ClinVar database as Likely Benign / Uncertain Significance. Multiple lines of computational evidence (Polyphen - Benign, SIFT - Tolerated and MutationTaster - Polymorphism) predict no damaging effect on protein structure and function for this variant. The amino acid change p.Lys600Arg in NPHS1 is predicted as conserved by GERP++. The amino acid Lys at position 600 is changed to a Arg changing protein sequence and it might alter its composition and physico-chemical properties. For these reasons, this variant has been classified as a Variant of Uncertain Significance (VUS).

Illumina Laboratory Services, Illumina
Classification: Uncertain significance for Congenital nephrotic syndrome. Last evaluated: 2018-01-12. Review status: criteria provided, single submitter. Criteria: ICSL Variant Classification Criteria 13 December 2019. Collection method: clinical testing. Allele origin: germline.

NM_004646.4(NPHS1):c.1799A>G (p.Lys600Arg)

Gene: NPHS1 (NPHS1 adhesion molecule, nephrin; minus strand). Cytogenetic location: 19q13.12.
Variant type: single nucleotide variant.
Coding change: c.1799A>G on transcript NM_004646.4 (MANE Select); coding-DNA position 1799, A replaced by G.
Protein change: p.Lys600Arg; replaces lysine 600 with arginine.
Molecular consequence: missense variant.
Genome position (GRCh38, 1-based): chr19:35,845,499, T>C on the plus strand (A>G on the coding strand, the complement: NPHS1 is on the minus strand). VCF-style: chr19-35845499-T-C. GRCh37 (hg19) VCF-style: chr19-36336401-T-C.
Other names: short protein forms K600R.
Identifiers: ClinVar variation 328867 (VCV000328867.18), dbSNP rs566516658, ClinGen allele CA9390317.